The following is an entry in ClinVar:

NM_000136.3(FANCC):c.1329+175C>T

Genes: AOPEP (aminopeptidase O (putative); plus strand), FANCC (FA complementation group C; minus strand). Cytogenetic location: 9q22.32.
Variant type: single nucleotide variant.
Coding change: c.1329+175C>T on transcript NM_000136.3 (MANE Select); 175 bases into the intron after coding-DNA position 1329, C replaced by T.
Molecular consequence: intron variant. On other transcripts: missense variant (1).
Genome position (GRCh38, 1-based): chr9:95,111,288, G>A on the plus strand (C>T on the coding strand, the complement: FANCC is on the minus strand). VCF-style: chr9-95111288-G-A. GRCh37 (hg19) VCF-style: chr9-97873570-G-A.
Other names: p.R463C:CGT>TGT; c.1387C>T, p.Arg463Cys (NM_001243744.2); c.1329+175C>T (NM_001243743.2); short protein forms R463C.
Identifiers: ClinVar variation 134308 (VCV000134308.30), dbSNP rs112446681, ClinGen allele CA159419.

ClinVar aggregate classification (germline): Benign/Likely benign. Review status: criteria provided, multiple submitters, no conflicts (2 of 4 stars). 9 submissions from 9 submitters: Benign (4); Likely benign (3). 2 of the submissions do not count toward it. Last evaluated 2026-03-23.

Conditions:
Fanconi anemia (FA). Also called: Fanconi's anemia. Identifiers: Orphanet 84, MedGen C0015625, MeSH D005199, MONDO:0019391.
Fanconi anemia complementation group C (FANCC). Also called: Fanconi anemia, group C; FANCC-Related Fanconi Anemia; FANCONI PANCYTOPENIA, TYPE 3; FACC. Identifiers: Orphanet 84, MedGen C3468041, MONDO:0009213, OMIM 227645.

Allele frequency attached by ClinVar (database versions not stated): gnomAD 0.00401 and 0.00385; TOPMed 0.00417; 1000 Genomes Project 30x 0.00312; gnomAD exomes 0.00046 and 0.00098; ExAC 0.00274; 1000 Genomes Project 0.00300.
gnomAD v4.1: 1,297 of 1,569,554 alleles (0.083%); highest among the groups gnomAD compares: African/African-American, 1.4%; 9 homozygotes.

Submissions (9):

Dasa
Classification: Likely benign. Last evaluated: 2026-03-23. Review status: criteria provided, single submitter. Criteria: DASA Assertion Criteria. Collection method: clinical testing. Allele origin: germline.
Comment: NM_001243744.2(FANCC):c.1387C>T (p.Arg463Cys) is interpreted based on available population and clinical evidence, including population frequency and no convincing observation in affected individuals. Based on the available data, this variant is classified as likely benign.

CeGaT Center for Human Genetics Tuebingen
Classification: Likely benign. Last evaluated: 2025-10-01. Review status: criteria provided, single submitter. Criteria: CeGaT Center For Human Genetics Tuebingen Variant Classification Criteria Version 2. Collection method: clinical testing. Allele origin: germline. Affected: yes. Observed: 5 variant alleles.
Comment: FANCC: BS1

ARUP Laboratories, Molecular Genetics and Genomics, ARUP Laboratories
Classification: Benign for Fanconi anemia complementation group C. Last evaluated: 2025-04-16. Review status: criteria provided, single submitter. Criteria: ARUP Molecular Germline Variant Investigation Process 2024. Collection method: clinical testing. Allele origin: germline.

Blueprint Genetics
Classification: Likely benign. Last evaluated: 2024-11-27. Review status: criteria provided, single submitter. Criteria: ACMG Guidelines, 2015. Collection method: clinical testing. Allele origin: germline.

KCCC/NGS Laboratory, Kuwait Cancer Control Center
Classification: Benign for Fanconi anemia complementation group C. Last evaluated: 2023-07-07. Review status: criteria provided, single submitter. Criteria: ACMG Guidelines, 2015. Collection method: clinical testing. Allele origin: germline. Affected: yes.

GeneDx
Classification: Benign. Last evaluated: 2014-01-07. Review status: criteria provided, single submitter. Criteria: GeneDx Variant Classification (06012015). Collection method: clinical testing. Allele origin: germline. Affected: yes.
Comment: This variant is considered likely benign or benign based on one or more of the following criteria: it is a conservative change, it occurs at a poorly conserved position in the protein, it is predicted to be benign by multiple in silico algorithms, and/or has population frequency not consistent with disease.

Breakthrough Genomics
Classification: Benign. Review status: criteria provided, single submitter. Criteria: ACMG Guidelines, 2015. Collection method: not provided. Allele origin: germline. Inheritance: Autosomal recessive inheritance. Affected: yes.

Natera, Inc.
Classification: Likely benign for Fanconi anemia. Last evaluated: 2017-05-10. Review status: no assertion criteria provided. Collection method: clinical testing. Allele origin: germline. Not counted in ClinVar's aggregate classification.

ITMI
No classification provided. Condition: AllHighlyPenetrant. Last evaluated: 2013-09-19. Review status: no classification provided. Collection method: reference population. Allele origin: germline. Not counted in ClinVar's aggregate classification.
Comment: Please see associated publication for description of ethnicities

Literature cited by the submitters: PubMed 24728327 (cited by ITMI).